The following is an entry in ClinVar:

ClinVar aggregate classification (germline): Pathogenic (1 of 4 stars; one submission).

Conditions:
MHC class I deficiency. Identifiers: Orphanet 34592, MedGen C6024714, MONDO:0011476.

Submission:

3billion
Classification: Pathogenic for MHC class I deficiency 1. Review status: criteria provided, single submitter. Criteria: ACMG Guidelines, 2015. Collection method: clinical testing. Allele origin: unknown. Affected: yes. Observed: 1 homozygote.
Comment: The variant is not observed in the gnomAD v2.1.1 dataset. The variant is predicted to result in a loss or disruption of normal protein function through nonsense-mediated decay (NMD) or protein truncation. Multiple pathogenic variants are reported downstream of the variant. Therefore, this variant is classified as Pathogenic according to the recommendation of ACMG/AMP guideline.

NM_000593.6(TAP1):c.884del (p.Leu295fs)

Gene: TAP1 (transporter 1, ATP binding cassette subfamily B member; minus strand). Cytogenetic location: 6p21.32.
Variant type: Deletion.
Coding change: c.884del on transcript NM_000593.6 (MANE Select); coding-DNA position 884, one base deleted (T; older notation c.884delT).
Protein change: p.Leu295fs; shifts the reading frame from leucine 295.
Molecular consequence: frameshift variant.
Genome position (GRCh38, 1-based): chr6:32,851,110, A deleted on the plus strand (T on the coding strand, the reverse complement: TAP1 is on the minus strand). VCF-style (leftmost placement, unchanged base first): chr6-32851109-CA-C. GRCh37 (hg19) VCF-style: chr6-32818886-CA-C.
Other names: c.281del, p.Leu94fs (NM_001292022.2); short protein forms L295fs, L94fs.
Identifiers: ClinVar variation 2572421 (VCV002572421.1), dbSNP rs2483168330, ClinGen allele CA2580614859.
Genomic context (GRCh38, chr6:32,851,109, plus strand): 5'-ACATAGGCCTCGCACCAGGTACCACAGAAATAAGCTCAGATTCTCACTCAGAGAATCACT[CA>C]GGGTGGACGTGTCCTCTGTTACCCGAGACATGATGTTACCTGCAGGGTTGGGGAGAAGAG-3'